The following is an entry in ClinVar:

ClinVar aggregate classification (germline): Uncertain significance. Review status: criteria provided, multiple submitters, no conflicts (2 of 4 stars). 2 submissions from 2 submitters: Uncertain significance (2). Last evaluated 2023-10-13.

Conditions:
Hyper-IgM syndrome type 5 (HIGM5). Also called: Hyper-IgM Immunodeficiency Syndrome, Type 5. Identifiers: Orphanet 101092, MedGen C1720958, MONDO:0011971, OMIM 608106.

Allele frequency attached by ClinVar (database versions not stated): ExAC 0.00001; gnomAD 0.00001; gnomAD exomes 0.00001 and 0.00002; TOPMed 0.00002; ESP Exome Variant Server 0.00008.
gnomAD v4.1: 26 of 1,613,698 alleles (0.0016%); highest among the groups gnomAD compares: Non-Finnish European, 0.0019%; no homozygotes.

Submissions (2):

Labcorp Genetics (formerly Invitae), Labcorp
Classification: Uncertain significance for Hyper-IgM syndrome type 5. Last evaluated: 2023-10-13. Review status: criteria provided, single submitter. Criteria: Invitae Variant Classification Sherloc (09022015). Collection method: clinical testing. Allele origin: germline.
Comment: This sequence change replaces histidine, which is basic and polar, with arginine, which is basic and polar, at codon 271 of the UNG protein (p.His271Arg). This variant is present in population databases (rs147460908, gnomAD 0.006%). This variant has not been reported in the literature in individuals affected with UNG-related conditions. ClinVar contains an entry for this variant (Variation ID: 882511). Advanced modeling of protein sequence and biophysical properties (such as structural, functional, and spatial information, amino acid conservation, physicochemical variation, residue mobility, and thermodynamic stability) performed at Invitae indicates that this missense variant is not expected to disrupt UNG protein function. In summary, the available evidence is currently insufficient to determine the role of this variant in disease. Therefore, it has been classified as a Variant of Uncertain Significance.

Illumina Laboratory Services, Illumina
Classification: Uncertain significance for Hyper-IgM syndrome type 5. Last evaluated: 2018-01-13. Review status: criteria provided, single submitter. Criteria: ICSL Variant Classification Criteria 13 December 2019. Collection method: clinical testing. Allele origin: germline.

NM_080911.3(UNG):c.812A>G (p.His271Arg)

Gene: UNG (uracil DNA glycosylase; plus strand). Cytogenetic location: 12q24.11.
Variant type: single nucleotide variant.
Coding change: c.812A>G on transcript NM_080911.3 (MANE Select); coding-DNA position 812, A replaced by G.
Protein change: p.His271Arg; replaces histidine 271 with arginine.
Molecular consequence: missense variant.
Genome position (GRCh38, 1-based): chr12:109,109,839, A>G. VCF-style: chr12-109109839-A-G. GRCh37 (hg19) VCF-style: chr12-109547644-A-G.
Other names: c.785A>G, p.His262Arg (NM_003362.4); short protein forms H271R, H262R.
Identifiers: ClinVar variation 882511 (VCV000882511.11), dbSNP rs147460908, ClinGen allele CA6772804.